The following is an entry in ClinVar:

ClinVar aggregate classification (germline): Pathogenic (1 of 4 stars; one submission).

Conditions:
Ulnar-mammary syndrome (UMS). Also called: SCHINZEL SYNDROME; Ulnar-mammary syndrome of Pallister; PALLISTER ULNAR-MAMMARY SYNDROME. Identifiers: Orphanet 3138, MedGen C1866994, MONDO:0008411, OMIM 181450.

Submission:

Labcorp Genetics (formerly Invitae), Labcorp
Classification: Pathogenic for Ulnar-mammary syndrome. Last evaluated: 2025-04-14. Review status: criteria provided, single submitter. Criteria: Invitae Variant Classification Sherloc (09022015). Collection method: clinical testing. Allele origin: germline.
Comment: This sequence change creates a premature translational stop signal (p.Pro47Thrfs*64) in the TBX3 gene. It is expected to result in an absent or disrupted protein product. Loss-of-function variants in TBX3 are known to be pathogenic (PMID: 12668170, 16896345). This variant is not present in population databases (gnomAD no frequency). This variant has not been reported in the literature in individuals affected with TBX3-related conditions. For these reasons, this variant has been classified as Pathogenic.

Literature cited by the submitters: PubMed 12668170; PubMed 16896345.

NM_005996.4(TBX3):c.138_139insA (p.Pro47fs)

Genes: TBX3-AS1 (TBX3 antisense RNA 1; plus strand), TBX3 (T-box transcription factor 3; minus strand). Cytogenetic location: 12q24.21.
Variant type: Insertion.
Coding change: c.138_139insA on transcript NM_005996.4 (MANE Select); coding-DNA positions 138 to 139, A inserted.
Protein change: p.Pro47fs; shifts the reading frame from proline 47.
Molecular consequence: frameshift variant.
Genome position: GRCh38 VCF-style: chr12-114683062-G-GT. GRCh37 (hg19) VCF-style: chr12-115120867-G-GT.
Other names: c.138_139insA, p.Pro47fs (NM_016569.4); short protein forms P47fs.
Identifiers: ClinVar variation 4716975 (VCV004716975.1).